The following is an entry in ClinVar:

NM_001283009.2(RTEL1):c.717C>G (p.Asn239Lys)

Genes: RTEL1 (regulator of telomere elongation helicase 1; plus strand), RTEL1-TNFRSF6B (RTEL1-TNFRSF6B readthrough (NMD candidate); plus strand). Cytogenetic location: 20q13.33.
Variant type: single nucleotide variant.
Coding change: c.717C>G on transcript NM_001283009.2 (MANE Select); coding-DNA position 717, C replaced by G.
Protein change: p.Asn239Lys; replaces asparagine 239 with lysine.
Molecular consequence: missense variant. On other transcripts: non-coding transcript variant (1).
Genome position (GRCh38, 1-based): chr20:63,672,573, C>G. VCF-style: chr20-63672573-C-G. GRCh37 (hg19) VCF-style: chr20-62303926-C-G.
Other names: c.48C>G, p.Asn16Lys (NM_001283010.1); c.717C>G, p.Asn239Lys (NM_016434.4); c.789C>G, p.Asn263Lys (NM_032957.5); short protein forms N16K, N239K, N263K.
Identifiers: ClinVar variation 3757649 (VCV003757649.3).

ClinVar aggregate classification (germline): Uncertain significance. Review status: criteria provided, multiple submitters, no conflicts (2 of 4 stars). 2 submissions from 2 submitters: Uncertain significance (2). Last evaluated 2025-11-15.

Conditions:
Pulmonary fibrosis and/or bone marrow failure, Telomere-related, 3. Also called: PULMONARY FIBROSIS AND/OR BONE MARROW FAILURE SYNDROME, TELOMERE-RELATED, 3. Identifiers: Orphanet 2032, MedGen C4225346, MONDO:0014613, OMIM 616373.
Dyskeratosis congenita, autosomal recessive 5 (DKCB5). Identifiers: MedGen C3554656, MONDO:0014076, OMIM 615190.
Inborn genetic diseases. Identifiers: MedGen C0950123, MeSH D030342.

gnomAD v4.1: 2 of 1,584,994 alleles (0.00013%); highest among the groups gnomAD compares: Non-Finnish European, 0.00017%; no homozygotes.

Submissions (2):

Ambry Genetics
Classification: Uncertain significance for Inborn genetic diseases. Last evaluated: 2025-11-15. Review status: criteria provided, single submitter. Criteria: Ambry Variant Classification Scheme 2023. Collection method: clinical testing. Allele origin: germline.
Comment: The p.N239K variant (also known as c.717C>G), located in coding exon 8 of the RTEL1 gene, results from a C to G substitution at nucleotide position 717. The asparagine at codon 239 is replaced by lysine, an amino acid with similar properties. This amino acid position is conserved. In addition, this alteration is predicted to be tolerated by in silico analysis. Based on the available evidence, the clinical significance of this variant remains unclear.

Labcorp Genetics (formerly Invitae), Labcorp
Classification: Uncertain significance for Dyskeratosis congenita, autosomal recessive 5; Pulmonary fibrosis and/or bone marrow failure, Telomere-related, 3. Last evaluated: 2024-08-12. Review status: criteria provided, single submitter. Criteria: Invitae Variant Classification Sherloc (09022015). Collection method: clinical testing. Allele origin: germline.
Comment: This sequence change replaces asparagine, which is neutral and polar, with lysine, which is basic and polar, at codon 239 of the RTEL1 protein (p.Asn239Lys). This variant is not present in population databases (gnomAD no frequency). This variant has not been reported in the literature in individuals affected with RTEL1-related conditions. An algorithm developed to predict the effect of missense changes on protein structure and function (PolyPhen-2) suggests that this variant is likely to be tolerated. In summary, the available evidence is currently insufficient to determine the role of this variant in disease. Therefore, it has been classified as a Variant of Uncertain Significance.